The following is an entry in ClinVar:

ClinVar aggregate classification (germline): Conflicting classifications of pathogenicity. Review status: criteria provided, conflicting classifications (1 of 4 stars). 2 submissions from 2 submitters: Likely pathogenic (1); Uncertain significance (1). Last evaluated 2023-05-30.

Submissions (2):

Women's Health and Genetics/Laboratory Corporation of America, LabCorp
Classification: Uncertain significance. Last evaluated: 2023-05-30. Review status: criteria provided, single submitter. Criteria: LabCorp Variant Classification Summary - May 2015. Collection method: clinical testing. Allele origin: germline.
Comment: Variant summary: PEX16 c.956_958delCGC (p.Pro319del) results in an in-frame deletion that is predicted to remove one amino acid from the encoded protein. The variant allele was found at a frequency of 4e-06 in 250804 control chromosomes (gnomAD). The available data on variant occurrences in the general population are insufficient to allow any conclusion about variant significance. c.956_958delCGC has been reported in the literature in the compound heterozygous state in an individual affected with a Peroxisome Biogenesis Disorder on the Zellweger Syndrome Spectrum with a mild phenotype (Cheung_2022). This report does not provide unequivocal conclusions about association of the variant with Peroxisome Biogenesis Disorders, Zellweger Syndrome Spectrum. To our knowledge, no experimental evidence demonstrating an impact on protein function has been reported. The following publication has been ascertained in the context of this evaluation (PMID: 35106698). One clinical diagnostic laboratory has submitted a clinical-significance assessment for this variant to ClinVar after 2014 and classified the variant as likely pathogenic. Based on the evidence outlined above, the variant was classified as uncertain significance.

GeneDx
Classification: Likely pathogenic. Last evaluated: 2017-03-06. Review status: criteria provided, single submitter. Criteria: GeneDx Variant Classification (06012015). Collection method: clinical testing. Allele origin: germline. Affected: yes.
Comment: The c.956_958delCGC variant in the PEX16 gene has not been reported previously as a pathogenic variant nor as a benign variant, to our knowledge. The c.956_958delCGC variant causes an in-frame deletion of one amnio acid, Proline 319, denoted p.Pro319del. The c.956_958delCGC variant is not observed in large population cohorts (Lek et al., 2016; 1000 Genomes Consortium et al., 2015; Exome Variant Server). This deletion occurs at a position that is conserved across species. In silico analysis predicts this deletion is probably damaging to the protein structure/function. We interpret c.956_958delCGC as a likely pathogenic variant.

Literature cited by the submitters: PubMed 35106698 (cited by Women's Health and Genetics/Laboratory Corporation of America, LabCorp).

NM_004813.4(PEX16):c.956_958del (p.Pro319del)

Gene: PEX16 (peroxisomal biogenesis factor 16; minus strand). Cytogenetic location: 11p11.2.
Variant type: Deletion.
Coding change: c.956_958del on transcript NM_004813.4 (MANE Select); coding-DNA positions 956 to 958, 3 bases deleted (CGC; older notation c.956_958delCGC).
Protein change: p.Pro319del; deletes proline 319.
Molecular consequence: inframe deletion. On other transcripts: intron variant (1).
Genome position (GRCh38, 1-based): chr11:45,910,307-45,910,309, GCG deleted on the plus strand (CGC on the coding strand, the reverse complement: PEX16 is on the minus strand); deleting any 3 consecutive bases within chr11:45,910,307-45,910,311 gives the same sequence; the c. name uses the placement nearest the transcript's 3' end. VCF-style (leftmost placement, unchanged base first): chr11-45910306-AGCG-A. GRCh37 (hg19) VCF-style: chr11-45931857-AGCG-A.
Other names: c.953-132_953-130del (NM_057174.3); short protein forms P319del.
Identifiers: ClinVar variation 424163 (VCV000424163.3), dbSNP rs754790425, ClinGen allele CA5959725.
Genomic context (GRCh38, chr11:45,910,306, plus strand): 5'-GAGGTCTGTCAGCCCCAACTGTAGAAGTAGATTTTCTGCCAGGTGGGCAAGTAATCCATG[AGCG>A]GCCCTGCAGTGGGAGAGGGACACATCAGGGCAGGCCAGACCCCAATCTGCACTGTGGCGC-3'